The following is an entry in ClinVar:

NM_000337.6(SGCD):c.*1618T>C

Gene: SGCD (sarcoglycan delta; plus strand). Cytogenetic location: 5q33.3.
Variant type: single nucleotide variant.
Coding change: c.*1618T>C on transcript NM_000337.6 (MANE Select); 1618 bases downstream of the stop codon, T replaced by C.
Molecular consequence: 3 prime UTR variant.
Genome position (GRCh38, 1-based): chr5:156,761,008, T>C. VCF-style: chr5-156761008-T-C. GRCh37 (hg19) VCF-style: chr5-156188019-T-C.
Other names: c.*1618T>C (NM_001128209.2).
Identifiers: ClinVar variation 352354 (VCV000352354.6), dbSNP rs1389818, ClinGen allele CA10623853.

ClinVar aggregate classification (germline): Benign (1 of 4 stars; one submission).

Conditions:
Qualitative or quantitative defects of delta-sarcoglycan. Identifiers: Orphanet 207070, MedGen C5680806, MONDO:0016144.

Allele frequency attached by ClinVar (database versions not stated): gnomAD exomes 0.10000; gnomAD 0.13469 and 0.14033; TOPMed 0.14992; 1000 Genomes Project 0.15415; 1000 Genomes Project 30x 0.16224.
gnomAD v4.1: 20,375 of 152,148 alleles (13%); highest among the groups gnomAD compares: African/African-American, 34%; 2,678 homozygotes.

Submission:

Illumina Laboratory Services, Illumina
Classification: Benign for Qualitative or quantitative defects of delta-sarcoglycan. Last evaluated: 2018-01-12. Review status: criteria provided, single submitter. Criteria: ICSL Variant Classification Criteria 13 December 2019. Collection method: clinical testing. Allele origin: germline.
Comment: This variant was observed in the ICSL laboratory as part of a predisposition screen in an ostensibly healthy population. It had not been previously curated by ICSL or reported in the Human Gene Mutation Database (HGMD: prior to June 1st, 2018), and was therefore a candidate for classification through an automated scoring system. Utilizing variant allele frequency, disease prevalence and penetrance estimates, and inheritance mode, an automated score was calculated to assess if this variant is too frequent to cause the disease. Based on the score and internal cut-off values, a variant classified as benign is not then subjected to further curation. The score for this variant resulted in a classification of benign for this disease.